The following is an entry in ClinVar:

NM_003193.5(TBCE):c.786T>G (p.Asn262Lys)

Gene: TBCE (tubulin folding cofactor E; plus strand). Cytogenetic location: 1q42.3.
Variant type: single nucleotide variant.
Coding change: c.786T>G on transcript NM_003193.5 (MANE Select); coding-DNA position 786, T replaced by G.
Protein change: p.Asn262Lys; replaces asparagine 262 with lysine.
Molecular consequence: missense variant.
Genome position (GRCh38, 1-based): chr1:235,435,793, T>G. VCF-style: chr1-235435793-T-G. GRCh37 (hg19) VCF-style: chr1-235599108-T-G.
Other names: c.786T>G, p.Asn262Lys (NM_001079515.3); c.939T>G, p.Asn313Lys (NM_001287801.2); c.447T>G, p.Asn149Lys (NM_001287802.2); c.786T>G (NM_003193.4); short protein forms N149K, N262K, N313K.
Identifiers: ClinVar variation 1709569 (VCV001709569.4), dbSNP rs750276566, ClinGen allele CA1464207.
Genomic context (GRCh38, chr1:235,435,793, plus strand): 5'-TTTTCCATACAGGCCAACAGATGTTCTCCAGACAGTCAAGTTATTAGATCTTTCCTCTAA[T>G]CAATTAATTGATGAAAATCAGCTGTATCTGATAGCCCACCTGCCCAGGTAATTTGCCCCT-3'
Protein context (NP_003184.1, residues 252-272): QTVKLLDLSS[Asn262Lys]QLIDENQLYL

ClinVar aggregate classification (germline): Uncertain significance. Review status: criteria provided, multiple submitters, no conflicts (2 of 4 stars). 3 submissions from 3 submitters: Uncertain significance (3). Last evaluated 2025-06-20.

Conditions:
Autosomal recessive Kenny-Caffey syndrome (KCS1). Identifiers: Orphanet 2333, Orphanet 93324, MedGen C1855648, MONDO:0009486, OMIM 244460.

Allele frequency attached by ClinVar (database versions not stated): gnomAD exomes 0.00001; TOPMed 0.00001; ExAC 0.00002.

Submissions (3):

Women's Health and Genetics/Laboratory Corporation of America, LabCorp
Classification: Uncertain significance. Last evaluated: 2025-06-20. Review status: criteria provided, single submitter. Criteria: LabCorp Variant Classification Summary - May 2015. Collection method: clinical testing. Allele origin: germline.
Comment: Variant summary: TBCE c.786T>G (p.Asn262Lys) results in a non-conservative amino acid change in the encoded protein sequence. Algorithms developed to predict the effect of missense changes on protein structure and function are either unavailable or do not agree on the potential impact of this missense change. The variant allele was found at a frequency of 8e-06 in 251430 control chromosomes (gnomAD). The available data on variant occurrences in the general population are insufficient to allow any conclusion about variant significance. To our knowledge, no occurrence of c.786T>G in individuals affected with TBCE-Related Disorder and no experimental evidence demonstrating its impact on protein function have been reported. ClinVar contains an entry for this variant (Variation ID: 1709569). Based on the evidence outlined above, the variant was classified as uncertain significance.

GeneDx
Classification: Uncertain significance. Last evaluated: 2024-11-22. Review status: criteria provided, single submitter. Criteria: GeneDx Variant Classification Process June 2021. Collection method: clinical testing. Allele origin: germline. Affected: yes.
Comment: Not observed at significant frequency in large population cohorts (gnomAD); In silico analysis supports that this missense variant has a deleterious effect on protein structure/function; Has not been previously published as pathogenic or benign to our knowledge

MGZ Medical Genetics Center
Classification: Uncertain significance for Autosomal recessive Kenny-Caffey syndrome. Last evaluated: 2022-06-21. Review status: criteria provided, single submitter. Criteria: ACMG Guidelines, 2015. Collection method: clinical testing. Allele origin: germline. Affected: yes. Observed: 1 variant allele.
Comment: ACMG criteria applied: PM2_SUP